The following is an entry in ClinVar:

ClinVar aggregate classification (germline): Uncertain significance (1 of 4 stars; one submission).

Conditions:
Inborn genetic diseases. Identifiers: MedGen C0950123, MeSH D030342.

Submission:

Ambry Genetics
Classification: Uncertain significance for Inborn genetic diseases. Last evaluated: 2025-09-28. Review status: criteria provided, single submitter. Criteria: Ambry Variant Classification Scheme 2023. Collection method: clinical testing. Allele origin: germline.
Comment: The p.A130P variant (also known as c.388G>C), located in coding exon 2 of the GATA2 gene, results from a G to C substitution at nucleotide position 388. The alanine at codon 130 is replaced by proline, an amino acid with highly similar properties. This amino acid position is conserved. In addition, the in silico prediction for this alteration is inconclusive. Based on the available evidence, the clinical significance of this variant remains unclear.

NM_032638.5(GATA2):c.388G>C (p.Ala130Pro)

Gene: GATA2 (GATA binding protein 2; minus strand). Cytogenetic location: 3q21.3.
Variant type: single nucleotide variant.
Coding change: c.388G>C on transcript NM_032638.5 (MANE Select); coding-DNA position 388, G replaced by C.
Protein change: p.Ala130Pro; replaces alanine 130 with proline.
Molecular consequence: missense variant.
Genome position (GRCh38, 1-based): chr3:128,486,210, C>G on the plus strand (G>C on the coding strand, the complement: GATA2 is on the minus strand). VCF-style: chr3-128486210-C-G. GRCh37 (hg19) VCF-style: chr3-128205053-C-G.
Other names: c.388G>C, p.Ala130Pro (NM_001145661.2, NM_001145662.1); short protein forms A130P.
Identifiers: ClinVar variation 4620621 (VCV004620621.1).